The following is an entry in ClinVar:

NM_004446.3(EPRS1):c.3633G>A (p.Thr1211=)

Gene: EPRS1 (glutamyl-prolyl-tRNA synthetase 1; minus strand). Cytogenetic location: 1q41.
Variant type: single nucleotide variant.
Coding change: c.3633G>A on transcript NM_004446.3 (MANE Select); coding-DNA position 3633, G replaced by A.
Protein change: p.Thr1211=; no amino-acid change (threonine 1211 retained).
Molecular consequence: synonymous variant.
Genome position (GRCh38, 1-based): chr1:219,980,163, C>T on the plus strand (G>A on the coding strand, the complement: EPRS1 is on the minus strand). VCF-style: chr1-219980163-C-T. GRCh37 (hg19) VCF-style: chr1-220153505-C-T.
Other names: c.3633G>A (NM_004446.2).
Identifiers: ClinVar variation 1680866 (VCV001680866.12), dbSNP rs145176480, ClinGen allele CA1399632.

ClinVar aggregate classification (germline): Benign/Likely benign. Review status: criteria provided, multiple submitters, no conflicts (2 of 4 stars). 4 submissions from 4 submitters: Benign (2); Likely benign (1). 1 of the submissions does not count toward it. Last evaluated 2025-12-08.

Conditions:
EPRS1-related disorder. Also called: EPRS1-related condition.

Allele frequency attached by ClinVar (database versions not stated): gnomAD exomes 0.00012 and 0.00034; ExAC 0.00049; gnomAD 0.00111 and 0.00117; 1000 Genomes Project 0.00120; 1000 Genomes Project 30x 0.00125; TOPMed 0.00145; ESP Exome Variant Server 0.00223.
gnomAD v4.1: 353 of 1,613,532 alleles (0.022%); highest among the groups gnomAD compares: African/African-American, 0.41%; no homozygotes.

Submissions (4):

Labcorp Genetics (formerly Invitae), Labcorp
Classification: Benign. Last evaluated: 2025-12-08. Review status: criteria provided, single submitter. Criteria: Invitae Variant Classification Sherloc (09022015). Collection method: clinical testing. Allele origin: germline.

Blueprint Genetics
Classification: Likely benign. Last evaluated: 2024-06-27. Review status: criteria provided, single submitter. Criteria: ACMG Guidelines, 2015. Collection method: clinical testing. Allele origin: germline.

Breakthrough Genomics
Classification: Benign. Review status: criteria provided, single submitter. Criteria: ACMG Guidelines, 2015. Collection method: not provided. Allele origin: germline. Inheritance: Autosomal recessive inheritance. Affected: yes.

PreventionGenetics, part of Exact Sciences
Classification: Likely benign for EPRS1-related condition. Last evaluated: 2022-10-08. Review status: no assertion criteria provided. Collection method: clinical testing. Allele origin: germline. Not counted in ClinVar's aggregate classification.
Comment: This variant is classified as likely benign based on ACMG/AMP sequence variant interpretation guidelines (Richards et al. 2015 PMID: 25741868, with internal and published modifications).